The following is an entry in ClinVar:

ClinVar aggregate classification (germline): Likely benign (1 of 4 stars; one submission).

Submission:

CeGaT Center for Human Genetics Tuebingen
Classification: Likely benign. Last evaluated: 2024-08-01. Review status: criteria provided, single submitter. Criteria: CeGaT Center For Human Genetics Tuebingen Variant Classification Criteria Version 2. Collection method: clinical testing. Allele origin: germline. Affected: yes. Observed: 1 variant allele.
Comment: HERC1: PM2:Supporting, BP4, BP7

NM_003922.4(HERC1):c.1239C>T (p.Tyr413=)

Gene: HERC1 (HECT and RLD domain containing E3 ubiquitin protein ligase family member 1; minus strand). Cytogenetic location: 15q22.31.
Variant type: single nucleotide variant.
Coding change: c.1239C>T on transcript NM_003922.4 (MANE Select); coding-DNA position 1239, C replaced by T.
Protein change: p.Tyr413=; no amino-acid change (tyrosine 413 retained).
Molecular consequence: synonymous variant.
Genome position (GRCh38, 1-based): chr15:63,756,731, G>A on the plus strand (C>T on the coding strand, the complement: HERC1 is on the minus strand). VCF-style: chr15-63756731-G-A. GRCh37 (hg19) VCF-style: chr15-64048930-G-A.
Identifiers: ClinVar variation 3342039 (VCV003342039.16).